The following is an entry in ClinVar:

ClinVar aggregate classification (germline): Uncertain significance (1 of 4 stars; one submission).

Conditions:
Hereditary cancer-predisposing syndrome. Also called: Neoplastic Syndromes, Hereditary; Tumor predisposition; Hereditary neoplastic syndrome; Hereditary Cancer Syndrome. Identifiers: Orphanet 140162, MedGen C0027672, MeSH D009386, MONDO:0015356.

Submission:

Ambry Genetics
Classification: Uncertain significance for Hereditary cancer-predisposing syndrome. Last evaluated: 2021-08-23. Review status: criteria provided, single submitter. Criteria: Ambry Variant Classification Scheme 2023. Collection method: clinical testing. Allele origin: germline.
Comment: The c.-6_18del24insAGCCTTTCAT alteration is located in the 5' untranslated region (5'UTR) of the BARD1 gene. This alteration consists of a deletion of 24 and insertion of 10 nucleotides between nucleotide positions c.-6 and c.18. Based on insufficient or conflicting evidence, the clinical significance of this alteration remains unclear.

NM_000465.4(BARD1):c.-6_18delinsAGCCTTTCAT (p.Met1fs)

Gene: BARD1 (BRCA1 associated RING domain 1; minus strand). Cytogenetic location: 2q35.
Variant type: Indel.
Coding change: c.-6_18delinsAGCCTTTCAT on transcript NM_000465.4 (MANE Select); 6 bases upstream of the start codon through coding-DNA position 18, GGGACGATGCCGGATAATCGGCAG replaced by AGCCTTTCAT.
Protein change: p.Met1fs; shifts the reading frame from methionine 1.
Molecular consequence: frameshift variant, initiator codon variant. On other transcripts: non-coding transcript variant (3).
Genome position (GRCh38, 1-based): chr2:214,809,552-214,809,575, CTGCCGATTATCCGGCATCGTCCC replaced by ATGAAAGGCT on the plus strand (GGGACGATGCCGGATAATCGGCAG replaced by AGCCTTTCAT on the coding strand, the reverse complement: BARD1 is on the minus strand). GRCh37 (hg19): chr2:215,674,276-215,674,299.
Other names: c.-6_18delinsAGCCTTTCAT, p.Met1fs (NM_001282543.2, NM_001282545.2, NM_001282548.2 and 1 more transcripts); short protein forms M1fs.
Identifiers: ClinVar variation 3132976 (VCV003132976.1), dbSNP rs2469640234, ClinGen allele CA2825001088.